The following is an entry in ClinVar:

NM_006431.3(CCT2):c.706A>G (p.Lys236Glu)

Gene: CCT2 (chaperonin containing TCP1 subunit 2; plus strand). Cytogenetic location: 12q15.
Variant type: single nucleotide variant.
Coding change: c.706A>G on transcript NM_006431.3 (MANE Select); coding-DNA position 706, A replaced by G.
Protein change: p.Lys236Glu; replaces lysine 236 with glutamic acid.
Molecular consequence: missense variant.
Genome position (GRCh38, 1-based): chr12:69,592,115, A>G. VCF-style: chr12-69592115-A-G. GRCh37 (hg19) VCF-style: chr12-69985895-A-G.
Other names: c.565A>G, p.Lys189Glu (NM_001198842.2); short protein forms K189E, K236E.
Identifiers: ClinVar variation 4695082 (VCV004695082.1).

ClinVar aggregate classification (germline): Uncertain significance (1 of 4 stars; one submission).

gnomAD v4.1: 16 of 1,600,266 alleles (0.001%); highest among the groups gnomAD compares: Admixed American, 0.015%; 1 homozygote.

Submission:

Labcorp Genetics (formerly Invitae), Labcorp
Classification: Uncertain significance. Last evaluated: 2025-12-25. Review status: criteria provided, single submitter. Criteria: Invitae Variant Classification Sherloc (09022015). Collection method: clinical testing. Allele origin: germline.
Comment: This sequence change replaces lysine, which is basic and polar, with glutamic acid, which is acidic and polar, at codon 236 of the CCT2 protein (p.Lys236Glu). This variant is not present in population databases (gnomAD no frequency). This variant has not been reported in the literature in individuals affected with CCT2-related conditions. An algorithm developed to predict the effect of missense changes on protein structure and function (PolyPhen-2) suggests that this variant is likely to be disruptive. In summary, the available evidence is currently insufficient to determine the role of this variant in disease. Therefore, it has been classified as a Variant of Uncertain Significance.